The following is an entry in ClinVar:

ClinVar aggregate classification (germline): Conflicting classifications of pathogenicity. Review status: criteria provided, conflicting classifications (1 of 4 stars). 3 submissions from 3 submitters: Uncertain significance (1); Likely benign (2). Last evaluated 2026-09-01.

Conditions:
Collagen 6-related myopathy. Identifiers: MedGen CN117976, MONDO:0100225.
Bethlem myopathy 1A. Also called: Bethlem myopathy 1; Bethlem Muscular Dystrophy; MYOPATHY, BENIGN CONGENITAL, WITH CONTRACTURES. Identifiers: Orphanet 610, MedGen CN029274, MONDO:0024530, OMIM 158810.

Allele frequency attached by ClinVar (database versions not stated): ExAC 0.00002; gnomAD exomes 0.00003; gnomAD 0.00010.
gnomAD v4.1: 44 of 1,612,682 alleles (0.0027%); highest among the groups gnomAD compares: East Asian, 0.0045%; no homozygotes.

Submissions (3):

CeGaT Center for Human Genetics Tuebingen
Classification: Likely benign. Last evaluated: 2026-09-01. Review status: criteria provided, single submitter. Criteria: CeGaT Center For Human Genetics Tuebingen Variant Classification Criteria Version 2. Collection method: clinical testing. Allele origin: germline. Affected: yes. Observed: 1 variant allele.
Comment: COL6A2: BP4, BP7

Labcorp Genetics (formerly Invitae), Labcorp
Classification: Likely benign for Bethlem myopathy 1A. Last evaluated: 2025-07-16. Review status: criteria provided, single submitter. Criteria: Invitae Variant Classification Sherloc (09022015). Collection method: clinical testing. Allele origin: germline.

Illumina Laboratory Services, Illumina
Classification: Uncertain significance for Collagen VI-related myopathy. Last evaluated: 2018-01-13. Review status: criteria provided, single submitter. Criteria: ICSL Variant Classification Criteria 13 December 2019. Collection method: clinical testing. Allele origin: germline.

NM_001849.4(COL6A2):c.1911C>T (p.Phe637=)

Gene: COL6A2 (collagen type VI alpha 2 chain; plus strand). Cytogenetic location: 21q22.3.
Variant type: single nucleotide variant.
Coding change: c.1911C>T on transcript NM_001849.4 (MANE Select); coding-DNA position 1911, C replaced by T.
Protein change: p.Phe637=; no amino-acid change (phenylalanine 637 retained).
Molecular consequence: synonymous variant.
Genome position (GRCh38, 1-based): chr21:46,125,559, C>T. VCF-style: chr21-46125559-C-T. GRCh37 (hg19) VCF-style: chr21-47545473-C-T.
Other names: c.1911C>T, p.Phe637= (NM_058174.3, NM_058175.3).
Identifiers: ClinVar variation 340371 (VCV000340371.11), dbSNP rs746339542, ClinGen allele CA10072328.